The following is an entry in ClinVar:

ClinVar aggregate classification (germline): Conflicting classifications of pathogenicity. Review status: criteria provided, conflicting classifications (1 of 4 stars). 10 submissions from 9 submitters: Uncertain significance (9); Likely benign (1). Last evaluated 2026-02-01.

Conditions:
Endometrial carcinoma. Also called: Endometrial carcinoma, somatic. Identifiers: MedGen C0476089, MONDO:0002447, OMIM 608089, HP:0012114.
Mismatch repair cancer syndrome 3. Identifiers: MedGen C5436807, MONDO:0030841, OMIM 619097.
Lynch syndrome 5 (LYNCH5). Also called: Colorectal cancer, hereditary nonpolyposis, type 5; Hereditary non-polyposis colorectal cancer, type 5. Identifiers: Orphanet 144, MedGen C1833477, MONDO:0013710, OMIM 614350. Disease mechanism: loss of function.
Hereditary cancer-predisposing syndrome. Also called: Hereditary neoplastic syndrome; Tumor predisposition; Hereditary Cancer Syndrome; Neoplastic Syndromes, Hereditary. Identifiers: Orphanet 140162, MedGen C0027672, MeSH D009386, MONDO:0015356.
Hereditary nonpolyposis colorectal neoplasms. Identifiers: MedGen C0009405, MeSH D003123.
Mismatch repair cancer syndrome 1 (MMRCS1). Also called: MISMATCH REPAIR DEFICIENCY; MMR DEFICIENCY; BRAIN TUMOR-POLYPOSIS SYNDROME 1; BTP1 SYNDROME; CHILDHOOD CANCER SYNDROME. Identifiers: Orphanet 252202, MedGen C5399763, MONDO:0010159, OMIM 276300. Disease mechanism: loss of function.

Allele frequency attached by ClinVar (database versions not stated): gnomAD exomes 0.00001 and below 0.00001; TOPMed 0.00002; ExAC 0.00001.
gnomAD v4.1: 10 of 1,610,380 alleles (0.00062%); highest among the groups gnomAD compares: Non-Finnish European, 0.00085%; no homozygotes.

Submissions (10):

Labcorp Genetics (formerly Invitae), Labcorp
Classification: Likely benign for Hereditary nonpolyposis colorectal neoplasms. Last evaluated: 2026-02-01. Review status: criteria provided, single submitter. Criteria: Invitae Variant Classification Sherloc (09022015). Collection method: clinical testing. Allele origin: germline.

Quest Diagnostics Nichols Institute San Juan Capistrano
Classification: Uncertain significance. Last evaluated: 2025-07-15. Review status: criteria provided, single submitter. Criteria: Quest Diagnostics criteria. Collection method: clinical testing. Allele origin: unknown.
Comment: The MSH6 c.104C>T (p.Ala35Val) variant has not been reported in individuals with MSH6-related conditions in the published literature. The frequency of this variant in the general population (Genome Aggregation Database) is uninformative in the assessment of its pathogenicity. Analysis of this variant using bioinformatics tools for the prediction of the effect of amino acid changes on protein structure and function yielded predictions that this variant is benign. Based on the available information, we are unable to determine the clinical significance of this variant.

Dasa
Classification: Uncertain significance. Last evaluated: 2025-06-11. Review status: criteria provided, single submitter. Criteria: DASA Assertion Criteria. Collection method: clinical testing. Allele origin: germline.
Comment: NM_000179.3(MSH6):c.104C>T (p.Ala35Val) is a missense variant that results in the substitution of alanine with valine. This variant is rare in population databases. Computational prediction algorithms are consistent with a benign effect. The currently available literature and clinical evidence are not sufficient to establish a definitive association between this variant and the reported condition. Therefore, this variant is classified as a variant of uncertain significance.

GeneDx
Classification: Uncertain significance. Last evaluated: 2024-11-12. Review status: criteria provided, single submitter. Criteria: GeneDx Variant Classification Process June 2021. Collection method: clinical testing. Allele origin: germline. Affected: yes.
Comment: Not observed at significant frequency in large population cohorts (gnomAD); In silico analysis indicates that this missense variant does not alter protein structure/function; Has not been previously published as pathogenic or benign to our knowledge; This variant is associated with the following publications: (PMID: 25203624)

Fulgent Genetics
Classification: Uncertain significance for Endometrial carcinoma; Lynch syndrome 5; Mismatch repair cancer syndrome 3. Last evaluated: 2024-05-16. Review status: criteria provided, single submitter. Criteria: ACMG Guidelines, 2015. Collection method: clinical testing. Allele origin: germline.

Ambry Genetics
Classification: Uncertain significance for Hereditary cancer-predisposing syndrome. Last evaluated: 2024-02-27. Review status: criteria provided, single submitter. Criteria: Ambry Variant Classification Scheme 2023. Collection method: clinical testing. Allele origin: germline.
Comment: The p.A35V variant (also known as c.104C>T), located in coding exon 1 of the MSH6 gene, results from a C to T substitution at nucleotide position 104. The alanine at codon 35 is replaced by valine, an amino acid with similar properties. This amino acid position is not well conserved in available vertebrate species. In addition, this alteration is predicted to be tolerated by in silico analysis. Based on the available evidence, the clinical significance of this alteration remains unclear.

Baylor Genetics
Classification: Uncertain significance for Endometrial carcinoma. Last evaluated: 2023-08-28. Review status: criteria provided, single submitter. Criteria: ACMG Guidelines, 2015. Collection method: clinical testing. Allele origin: unknown.

Color Diagnostics, LLC DBA Color Health
Classification: Uncertain significance for Hereditary cancer-predisposing syndrome. Last evaluated: 2023-04-06. Review status: criteria provided, single submitter. Criteria: ACMG Guidelines, 2015. Collection method: clinical testing. Allele origin: germline.
Comment: This missense variant replaces alanine with valine at codon 35 of the MSH6 protein. Computational prediction suggests that this variant may not impact protein structure and function (internally defined REVEL score threshold <= 0.5, PMID: 27666373). To our knowledge, functional studies have not been reported for this variant. This variant has not been reported in individuals affected with MSH6-related disorders in the literature. This variant has been identified in 1/235130 chromosomes in the general population by the Genome Aggregation Database (gnomAD). The available evidence is insufficient to determine the role of this variant in disease conclusively. Therefore, this variant is classified as a Variant of Uncertain Significance.

Women's Health and Genetics/Laboratory Corporation of America, LabCorp
Classification: Uncertain significance. Last evaluated: 2019-11-26. Review status: criteria provided, single submitter. Criteria: LabCorp Variant Classification Summary - May 2015. Collection method: clinical testing. Allele origin: germline.
Comment: Variant summary: MSH6 c.104C>T (p.Ala35Val) results in a non-conservative amino acid change in the encoded protein sequence. Four of five in-silico tools predict a benign effect of the variant on protein function. The variant allele was found at a frequency of 4.3e-06 in 235130 control chromosomes (gnomAD). The available data on variant occurrences in the general population are insufficient to allow any conclusion about variant significance. To our knowledge, no occurrence of c.104C>T in individuals affected with Lynch Syndrome and no experimental evidence demonstrating its impact on protein function have been reported. Five ClinVar submitters (evaluation after 2014) cite the variant as uncertain significance. Based on the evidence outlined above, the variant was classified as uncertain significance.

Fulgent Genetics
Classification: Uncertain significance for Mismatch repair cancer syndrome 1; Endometrial carcinoma; Lynch syndrome 5. Last evaluated: 2018-10-31. Review status: criteria provided, single submitter. Criteria: ACMG Guidelines, 2015. Collection method: clinical testing. Allele origin: unknown.

Literature cited by the submitters: PubMed 25203624 (cited by Women's Health and Genetics/Laboratory Corporation of America, LabCorp).

NM_000179.3(MSH6):c.104C>T (p.Ala35Val)

Gene: MSH6 (mutS homolog 6; plus strand). Cytogenetic location: 2p16.3.
Variant type: single nucleotide variant.
Coding change: c.104C>T on transcript NM_000179.3 (MANE Select); coding-DNA position 104, C replaced by T.
Protein change: p.Ala35Val; replaces alanine 35 with valine.
Molecular consequence: missense variant. On other transcripts: 5 prime UTR variant (1).
Genome position (GRCh38, 1-based): chr2:47,783,337, C>T. VCF-style: chr2-47783337-C-T. GRCh37 (hg19) VCF-style: chr2-48010476-C-T.
Other names: c.104C>T, p.Ala35Val (NM_001281492.2); c.-633C>T (NM_001281493.2); short protein forms A35V.
Identifiers: ClinVar variation 410435 (VCV000410435.26), dbSNP rs776547943, ClinGen allele CA067076.